The following is an entry in ClinVar:

ClinVar aggregate classification (germline): Pathogenic (1 of 4 stars; one submission).

Conditions:
Autosomal recessive nonsyndromic hearing loss 18A. Also called: DEAFNESS, AUTOSOMAL RECESSIVE 18; Deafness, autosomal recessive 18A. Identifiers: Orphanet 90636, MedGen C1865870, MONDO:0011192, OMIM 602092.

Submission:

Institute of Rare Diseases, West China Hospital, Sichuan University
Classification: Pathogenic for Autosomal recessive nonsyndromic hearing loss 18A. Last evaluated: 2025-01-09. Review status: criteria provided, single submitter. Criteria: ClinGen HL ACMG Specifications v1. Collection method: research. Allele origin: germline. Affected: yes.
Comment: PVS1;PM3_Supporting;PM2_Supporting

NM_153676.4(USH1C):c.2226+2T>G

Gene: USH1C (USH1 protein network component harmonin; minus strand). Cytogenetic location: 11p15.1.
Variant type: single nucleotide variant.
Coding change: c.2226+2T>G on transcript NM_153676.4 (MANE Select); the canonical splice donor site of the intron after coding-DNA position 2226, T replaced by G.
Molecular consequence: splice donor variant.
Genome position (GRCh38, 1-based): chr11:17,501,937, A>C on the plus strand (T>G on the coding strand, the complement: USH1C is on the minus strand). VCF-style: chr11-17501937-A-C. GRCh37 (hg19) VCF-style: chr11-17523484-A-C.
Other names: c.1269+2T>G (NM_001297764.2); c.1326+2T>G (NM_005709.4).
Identifiers: ClinVar variation 3601013 (VCV003601013.1).